The following is an entry in ClinVar:

ClinVar aggregate classification (germline): Uncertain significance (1 of 4 stars; one submission).

Submission:

Labcorp Genetics (formerly Invitae), Labcorp
Classification: Uncertain significance. Last evaluated: 2025-09-16. Review status: criteria provided, single submitter. Criteria: Invitae Variant Classification Sherloc (09022015). Collection method: clinical testing. Allele origin: germline.
Comment: This sequence change replaces lysine, which is basic and polar, with asparagine, which is neutral and polar, at codon 114 of the PDE10A protein (p.Lys114Asn). This variant is not present in population databases (gnomAD no frequency). This variant has not been reported in the literature in individuals affected with PDE10A-related conditions. An algorithm developed to predict the effect of missense changes on protein structure and function (PolyPhen-2) suggests that this variant is likely to be tolerated. In summary, the available evidence is currently insufficient to determine the role of this variant in disease. Therefore, it has been classified as a Variant of Uncertain Significance.

NM_001385079.1(PDE10A):c.1140A>T (p.Lys380Asn)

Gene: PDE10A (phosphodiesterase 10A; minus strand). Cytogenetic location: 6q27.
Variant type: single nucleotide variant.
Coding change: c.1140A>T on transcript NM_001385079.1 (MANE Select); coding-DNA position 1140, A replaced by T.
Protein change: p.Lys380Asn; replaces lysine 380 with asparagine.
Molecular consequence: missense variant.
Genome position (GRCh38, 1-based): chr6:165,450,246, T>A on the plus strand (A>T on the coding strand, the complement: PDE10A is on the minus strand). VCF-style: chr6-165450246-T-A. GRCh37 (hg19) VCF-style: chr6-165863734-T-A.
Other names: c.312A>T, p.Lys104Asn (NM_006661.4); c.342A>T, p.Lys114Asn (NM_001130690.3); short protein forms K114N, K104N, K380N.
Identifiers: ClinVar variation 4769266 (VCV004769266.1).